The following is an entry in ClinVar:

NM_005236.3(ERCC4):c.2524G>T (p.Glu842Ter)

Gene: ERCC4 (ERCC excision repair 4, endonuclease catalytic subunit; plus strand). Cytogenetic location: 16p13.12.
Variant type: single nucleotide variant.
Coding change: c.2524G>T on transcript NM_005236.3 (MANE Select); coding-DNA position 2524, G replaced by T.
Protein change: p.Glu842Ter; replaces glutamic acid 842 with a stop codon.
Molecular consequence: nonsense.
Genome position (GRCh38, 1-based): chr16:13,948,120, G>T. VCF-style: chr16-13948120-G-T. GRCh37 (hg19) VCF-style: chr16-14041977-G-T.
Other names: short protein forms E842*.
Identifiers: ClinVar variation 2926750 (VCV002926750.3), dbSNP rs2543196608, ClinGen allele CA394824292.

ClinVar aggregate classification (germline): Uncertain significance (1 of 4 stars; one submission).

Conditions:
Xeroderma pigmentosum, group F (XPF). Also called: ERCC4-Related Xeroderma Pigmentosum; XERODERMA PIGMENTOSUM, COMPLEMENTATION GROUP F; XERODERMA PIGMENTOSUM VI; XP, GROUP F; XERODERMA PIGMENTOSUM, TYPE F; Xeroderma pigmentosum, type 6. Identifiers: MedGen C0268140, MONDO:0010215, OMIM 278760.
Fanconi anemia complementation group Q. Identifiers: Orphanet 84, MedGen C3808988, MONDO:0014108, OMIM 615272.
Cockayne syndrome. Identifiers: Orphanet 191, MedGen C0009207, MONDO:0016006.

Allele frequency attached by ClinVar (database versions not stated): gnomAD exomes below 0.00001.
gnomAD v4.1: 6 of 1,614,162 alleles (0.00037%); highest among the groups gnomAD compares: Non-Finnish European, 0.00051%; no homozygotes.

Submission:

Labcorp Genetics (formerly Invitae), Labcorp
Classification: Uncertain significance for Fanconi anemia complementation group Q; Xeroderma pigmentosum, group F; Cockayne syndrome. Last evaluated: 2023-09-20. Review status: criteria provided, single submitter. Criteria: Invitae Variant Classification Sherloc (09022015). Collection method: clinical testing. Allele origin: germline.
Comment: In summary, the available evidence is currently insufficient to determine the role of this variant in disease. Therefore, it has been classified as a Variant of Uncertain Significance. Experimental studies and prediction algorithms are not available or were not evaluated, and the functional significance of this variant is currently unknown. This variant has not been reported in the literature in individuals affected with ERCC4-related conditions. This variant is not present in population databases (gnomAD no frequency). This sequence change creates a premature translational stop signal (p.Glu842*) in the ERCC4 gene. While this is not anticipated to result in nonsense mediated decay, it is expected to disrupt the last 75 amino acid(s) of the ERCC4 protein.